The following is an entry in ClinVar:

ClinVar aggregate classification (germline): Conflicting classifications of pathogenicity. Review status: criteria provided, conflicting classifications (1 of 4 stars). 7 submissions from 7 submitters: Uncertain significance (1); Likely benign (5). 1 of the submissions does not count toward it. Last evaluated 2026-07-01.

Conditions:
Inborn genetic diseases. Identifiers: MedGen C0950123, MeSH D030342.
MAN1B1-related disorder. Also called: MAN1B1-related disorders; MAN1B1-related condition.
Rafiq syndrome (RAFQS). Identifiers: Orphanet 88616, MedGen C3280127, MONDO:0013624, OMIM 614202.

Allele frequency attached by ClinVar (database versions not stated): gnomAD exomes 0.00014 and 0.00035; ExAC 0.00044; 1000 Genomes Project 0.00080; 1000 Genomes Project 30x 0.00109; gnomAD 0.00126 and 0.00135; TOPMed 0.00148; ESP Exome Variant Server 0.00169.
gnomAD v4.1: 399 of 1,613,970 alleles (0.025%); highest among the groups gnomAD compares: African/African-American, 0.51%; 1 homozygote.

Submissions (7):

CeGaT Center for Human Genetics Tuebingen
Classification: Likely benign. Last evaluated: 2026-07-01. Review status: criteria provided, single submitter. Criteria: CeGaT Center For Human Genetics Tuebingen Variant Classification Criteria Version 2. Collection method: clinical testing. Allele origin: germline. Affected: yes. Observed: 1 variant allele.
Comment: MAN1B1: BP4

Labcorp Genetics (formerly Invitae), Labcorp
Classification: Likely benign for Rafiq syndrome. Last evaluated: 2026-01-05. Review status: criteria provided, single submitter. Criteria: Invitae Variant Classification Sherloc (09022015). Collection method: clinical testing. Allele origin: germline.

Blueprint Genetics
Classification: Likely benign. Last evaluated: 2021-11-20. Review status: criteria provided, single submitter. Criteria: ACMG Guidelines, 2015. Collection method: clinical testing. Allele origin: germline.

Ambry Genetics
Classification: Likely benign for Inborn genetic diseases. Last evaluated: 2021-11-09. Review status: criteria provided, single submitter. Criteria: Ambry Variant Classification Scheme 2023. Collection method: clinical testing. Allele origin: germline.

Eurofins Ntd Llc (ga)
Classification: Likely benign. Last evaluated: 2017-07-20. Review status: criteria provided, single submitter. Criteria: EGL Classification Definitions 2015. Collection method: clinical testing. Allele origin: germline. Observed: 1 variant allele, 1 heterozygote.

Center for Pediatric Genomic Medicine, Children's Mercy Hospital and Clinics
Classification: Uncertain significance. Last evaluated: 2017-07-19. Review status: criteria provided, single submitter. Criteria: ACMG Guidelines, 2015. Collection method: clinical testing. Allele origin: germline.

PreventionGenetics, part of Exact Sciences
Classification: Likely benign for MAN1B1-related condition. Last evaluated: 2022-04-15. Review status: no assertion criteria provided. Collection method: clinical testing. Allele origin: germline. Not counted in ClinVar's aggregate classification.
Comment: This variant is classified as likely benign based on ACMG/AMP sequence variant interpretation guidelines (Richards et al. 2015 PMID: 25741868, with internal and published modifications).

NM_016219.5(MAN1B1):c.337T>C (p.Phe113Leu)

Gene: MAN1B1 (mannosidase alpha class 1B member 1; plus strand). Cytogenetic location: 9q34.3.
Variant type: single nucleotide variant.
Coding change: c.337T>C on transcript NM_016219.5 (MANE Select); coding-DNA position 337, T replaced by C.
Protein change: p.Phe113Leu; replaces phenylalanine 113 with leucine.
Molecular consequence: missense variant. On other transcripts: non-coding transcript variant (2).
Genome position (GRCh38, 1-based): chr9:137,088,877, T>C. VCF-style: chr9-137088877-T-C. GRCh37 (hg19) VCF-style: chr9-139983329-T-C.
Other names: short protein forms F113L.
Identifiers: ClinVar variation 445844 (VCV000445844.23), dbSNP rs147529965, ClinGen allele CA5358605.